The following is an entry in ClinVar:

ClinVar aggregate classification (germline): Uncertain significance. Review status: criteria provided, multiple submitters, no conflicts (2 of 4 stars). 3 submissions from 3 submitters: Uncertain significance (3). Last evaluated 2024-10-15.

Conditions:
Autosomal recessive nonsyndromic hearing loss 97. Also called: Deafness, autosomal recessive 97. Identifiers: Orphanet 90636, MedGen C4084709, MONDO:0014739, OMIM 616705.
Hereditary cancer-predisposing syndrome. Also called: Tumor predisposition; Hereditary neoplastic syndrome; Neoplastic Syndromes, Hereditary; Hereditary Cancer Syndrome. Identifiers: Orphanet 140162, MedGen C0027672, MeSH D009386, MONDO:0015356.
Renal cell carcinoma. Identifiers: Orphanet 217071, MedGen C0007134, MeSH D002292, MONDO:0005086, HP:0005584.

Allele frequency attached by ClinVar (database versions not stated): TOPMed below 0.00001.

Submissions (3):

Labcorp Genetics (formerly Invitae), Labcorp
Classification: Uncertain significance for Renal cell carcinoma. Last evaluated: 2024-10-15. Review status: criteria provided, single submitter. Criteria: Invitae Variant Classification Sherloc (09022015). Collection method: clinical testing. Allele origin: germline.
Comment: This sequence change replaces aspartic acid, which is acidic and polar, with tyrosine, which is neutral and polar, at codon 597 of the MET protein (p.Asp597Tyr). This variant is not present in population databases (gnomAD no frequency). This variant has not been reported in the literature in individuals affected with MET-related conditions. ClinVar contains an entry for this variant (Variation ID: 1007265). Invitae Evidence Modeling of protein sequence and biophysical properties (such as structural, functional, and spatial information, amino acid conservation, physicochemical variation, residue mobility, and thermodynamic stability) indicates that this missense variant is not expected to disrupt MET protein function with a negative predictive value of 80%. In summary, the available evidence is currently insufficient to determine the role of this variant in disease. Therefore, it has been classified as a Variant of Uncertain Significance.

Ambry Genetics
Classification: Uncertain significance for Hereditary cancer-predisposing syndrome. Last evaluated: 2024-03-02. Review status: criteria provided, single submitter. Criteria: Ambry Variant Classification Scheme 2023. Collection method: clinical testing. Allele origin: germline.
Comment: The p.D597Y variant (also known as c.1789G>T), located in coding exon 5 of the MET gene, results from a G to T substitution at nucleotide position 1789. The aspartic acid at codon 597 is replaced by tyrosine, an amino acid with highly dissimilar properties. This amino acid position is conserved. In addition, the in silico prediction for this alteration is inconclusive. Since supporting evidence is limited at this time, the clinical significance of this alteration remains unclear.

Baylor Genetics
Classification: Uncertain significance for Autosomal recessive nonsyndromic hearing loss 97. Last evaluated: 2023-08-02. Review status: criteria provided, single submitter. Criteria: ACMG Guidelines, 2015. Collection method: clinical testing. Allele origin: unknown.

NM_000245.4(MET):c.1789G>T (p.Asp597Tyr)

Gene: MET (MET proto-oncogene, receptor tyrosine kinase; plus strand). Cytogenetic location: 7q31.2.
Variant type: single nucleotide variant.
Coding change: c.1789G>T on transcript NM_000245.4 (MANE Select); coding-DNA position 1789, G replaced by T.
Protein change: p.Asp597Tyr; replaces aspartic acid 597 with tyrosine.
Molecular consequence: missense variant.
Genome position (GRCh38, 1-based): chr7:116,755,442, G>T. VCF-style: chr7-116755442-G-T. GRCh37 (hg19) VCF-style: chr7-116395496-G-T.
Other names: c.1789G>T, p.Asp597Tyr (NM_001127500.3, NM_001324401.3); c.499G>T, p.Asp167Tyr (NM_001324402.2); short protein forms D167Y, D597Y.
Identifiers: ClinVar variation 1007265 (VCV001007265.10), dbSNP rs769073123, ClinGen allele CA368977926.